The following is an entry in ClinVar:

ClinVar aggregate classification (germline): Uncertain significance. Review status: criteria provided, multiple submitters, no conflicts (2 of 4 stars). 2 submissions from 2 submitters: Uncertain significance (2). Last evaluated 2025-09-01.

Allele frequency attached by ClinVar (database versions not stated): 1000 Genomes Project 30x 0.00047; ExAC 0.00003; 1000 Genomes Project 0.00040; gnomAD 0.00002.
gnomAD v4.1: 9 of 1,614,264 alleles (0.00056%); highest among the groups gnomAD compares: East Asian, 0.013%; no homozygotes.

Submissions (2):

Labcorp Genetics (formerly Invitae), Labcorp
Classification: Uncertain significance. Last evaluated: 2025-09-01. Review status: criteria provided, single submitter. Criteria: Invitae Variant Classification Sherloc (09022015). Collection method: clinical testing. Allele origin: germline.
Comment: This sequence change replaces arginine, which is basic and polar, with histidine, which is basic and polar, at codon 380 of the MOCS3 protein (p.Arg380His). This variant is present in population databases (rs532693962, gnomAD 0.02%). This variant has not been reported in the literature in individuals affected with MOCS3-related conditions. ClinVar contains an entry for this variant (Variation ID: 2902157). An algorithm developed to predict the effect of missense changes on protein structure and function (PolyPhen-2) suggests that this variant is likely to be tolerated. In summary, the available evidence is currently insufficient to determine the role of this variant in disease. Therefore, it has been classified as a Variant of Uncertain Significance.

Ambry Genetics
Classification: Uncertain significance. Last evaluated: 2025-08-02. Review status: criteria provided, single submitter. Criteria: Ambry Variant Classification Scheme 2023. Collection method: clinical testing. Allele origin: germline.

NM_014484.5(MOCS3):c.1139G>A (p.Arg380His)

Gene: MOCS3 (molybdenum cofactor synthesis 3; plus strand). Cytogenetic location: 20q13.13.
Variant type: single nucleotide variant.
Coding change: c.1139G>A on transcript NM_014484.5 (MANE Select); coding-DNA position 1139, G replaced by A.
Protein change: p.Arg380His; replaces arginine 380 with histidine.
Molecular consequence: missense variant.
Genome position (GRCh38, 1-based): chr20:50,959,981, G>A. VCF-style: chr20-50959981-G-A. GRCh37 (hg19) VCF-style: chr20-49576518-G-A.
Other names: c.1139G>A (NM_014484.3); short protein forms R380H.
Identifiers: ClinVar variation 2902157 (VCV002902157.4), dbSNP rs532693962, ClinGen allele CA9909544.